The following is an entry in ClinVar:

NM_000135.4(FANCA):c.392C>T (p.Thr131Ile)

Gene: FANCA (FA complementation group A; minus strand). Cytogenetic location: 16q24.3.
Variant type: single nucleotide variant.
Coding change: c.392C>T on transcript NM_000135.4 (MANE Select); coding-DNA position 392, C replaced by T.
Protein change: p.Thr131Ile; replaces threonine 131 with isoleucine.
Molecular consequence: missense variant.
Genome position (GRCh38, 1-based): chr16:89,810,963, G>A on the plus strand (C>T on the coding strand, the complement: FANCA is on the minus strand). VCF-style: chr16-89810963-G-A. GRCh37 (hg19) VCF-style: chr16-89877371-G-A.
Other names: c.392C>T, p.Thr131Ile (NM_001018112.3, NM_001286167.3, NM_001351830.2); c.392C>T (NM_000135.3); short protein forms T131I.
Identifiers: ClinVar variation 4022201 (VCV004022201.2).

ClinVar aggregate classification (germline): Uncertain significance. Review status: criteria provided, multiple submitters, no conflicts (2 of 4 stars). 2 submissions from 2 submitters: Uncertain significance (2). Last evaluated 2025-04-18.

Conditions:
Inborn genetic diseases. Identifiers: MedGen C0950123, MeSH D030342.

gnomAD v4.1: 1 of 1,613,980 alleles (0.000062%); highest among the groups gnomAD compares: Non-Finnish European, 0.000085%; no homozygotes.

Submissions (2):

Ambry Genetics
Classification: Uncertain significance for Inborn genetic diseases. Last evaluated: 2025-04-18. Review status: criteria provided, single submitter. Criteria: Ambry Variant Classification Scheme 2023. Collection method: clinical testing. Allele origin: germline.
Comment: The p.T131I variant (also known as c.392C>T), located in coding exon 4 of the FANCA gene, results from a C to T substitution at nucleotide position 392. The threonine at codon 131 is replaced by isoleucine, an amino acid with similar properties. This amino acid position is conserved. In addition, this alteration is predicted to be tolerated by in silico analysis. Based on the available evidence, the clinical significance of this variant remains unclear.

Quest Diagnostics Nichols Institute San Juan Capistrano
Classification: Uncertain significance. Last evaluated: 2025-04-09. Review status: criteria provided, single submitter. Criteria: Quest Diagnostics criteria. Collection method: clinical testing. Allele origin: unknown.
Comment: The FANCA c.392C>T (p.Thr131Ile) variant has not been reported in individuals with FANCA-related conditions in the published literature. The frequency of this variant in the general population (Genome Aggregation Database) is uninformative in the assessment of its pathogenicity. Analysis of this variant using bioinformatics tools for the prediction of the effect of amino acid changes on protein structure and function yielded predictions that this variant is benign. Based on the available information, we are unable to determine the clinical significance of this variant.